The following is an entry in ClinVar:

NM_000130.5(F5):c.3089G>A (p.Arg1030Gln)

Gene: F5 (coagulation factor V; minus strand). Cytogenetic location: 1q24.2.
Variant type: single nucleotide variant.
Coding change: c.3089G>A on transcript NM_000130.5 (MANE Select); coding-DNA position 3089, G replaced by A.
Protein change: p.Arg1030Gln; replaces arginine 1030 with glutamine.
Molecular consequence: missense variant.
Genome position (GRCh38, 1-based): chr1:169,542,001, C>T on the plus strand (G>A on the coding strand, the complement: F5 is on the minus strand). VCF-style: chr1-169542001-C-T. GRCh37 (hg19) VCF-style: chr1-169511239-C-T.
Other names: short protein forms R1030Q.
Identifiers: ClinVar variation 874312 (VCV000874312.5), dbSNP rs758795781, ClinGen allele CA1233976.

ClinVar aggregate classification (germline): Uncertain significance. Review status: criteria provided, multiple submitters, no conflicts (2 of 4 stars). 4 submissions from 2 submitters: Uncertain significance (4). Last evaluated 2026-04-29.

Conditions:
Thrombophilia due to thrombin defect (THPH1). Also called: Thrombosis susceptibility; THROMBOPHILIA DUE TO FACTOR 2 DEFECT; Prothrombin-Related Thrombophilia (Factor II); Prothrombin Thrombophilia. Identifiers: MedGen C3160733, MONDO:0008559, OMIM 188050. Disease mechanism: gain of function, loss of function.
Factor V deficiency. Also called: Reduced coagulation factor V activity. Identifiers: Orphanet 326, MedGen C4317320, MONDO:0020586, HP:0003225.
F5-related disorder. Also called: F5-related condition.
Budd-Chiari syndrome (BDCHS). Also called: Hepatic vein obstruction. Identifiers: Orphanet 131, MedGen C0856761, MONDO:0010947, OMIM 600880, HP:0002639.

Allele frequency attached by ClinVar (database versions not stated): ExAC 0.00003; gnomAD exomes 0.00005; gnomAD 0.00009 and 0.00010.
gnomAD v4.1: 30 of 1,613,642 alleles (0.0019%); highest among the groups gnomAD compares: East Asian, 0.0045%; no homozygotes.

Submissions (4):

PreventionGenetics, part of Exact Sciences
Classification: Uncertain significance for F5-related condition. Last evaluated: 2026-04-29. Review status: criteria provided, single submitter. Criteria: ACMG Guidelines, 2015. Collection method: clinical testing. Allele origin: germline.
Comment: The F5 c.3089G>A variant is predicted to result in the amino acid substitution p.Arg1030Gln. To our knowledge, this variant has not been reported in the literature. This variant is reported in 0.045% of alleles in individuals of East Asian descent in gnomAD. At this time, the clinical significance of this variant is uncertain due to the absence of conclusive functional and genetic evidence.

Illumina Laboratory Services, Illumina
Classification: Uncertain significance for Budd-Chiari syndrome. Last evaluated: 2018-01-12. Review status: criteria provided, single submitter. Criteria: ICSL Variant Classification Criteria 13 December 2019. Collection method: clinical testing. Allele origin: germline.

Illumina Laboratory Services, Illumina
Classification: Uncertain significance for Venous thrombosis. Last evaluated: 2018-01-12. Review status: criteria provided, single submitter. Criteria: ICSL Variant Classification Criteria 13 December 2019. Collection method: clinical testing. Allele origin: germline.

Illumina Laboratory Services, Illumina
Classification: Uncertain significance for Congenital factor V deficiency. Last evaluated: 2018-01-12. Review status: criteria provided, single submitter. Criteria: ICSL Variant Classification Criteria 13 December 2019. Collection method: clinical testing. Allele origin: germline.